The following is an entry in ClinVar:

ClinVar aggregate classification (germline): Likely benign. Review status: criteria provided, multiple submitters, no conflicts (2 of 4 stars). 2 submissions from 2 submitters: Likely benign (2). Last evaluated 2018-06-16.

Allele frequency attached by ClinVar (database versions not stated): gnomAD exomes 0.00158; gnomAD 0.01273 and 0.01349; 1000 Genomes Project 0.01498; TOPMed 0.01511; 1000 Genomes Project 30x 0.01546.
gnomAD v4.1: 2,947 of 763,758 alleles (0.39%); highest among the groups gnomAD compares: African/African-American, 4.3%; 61 homozygotes.

Submissions (2):

GeneDx
Classification: Likely benign. Last evaluated: 2018-06-16. Review status: criteria provided, single submitter. Criteria: GeneDx Variant Classification (06012015). Collection method: clinical testing. Allele origin: germline. Affected: yes.
Comment: This variant is considered likely benign or benign based on one or more of the following criteria: it is a conservative change, it occurs at a poorly conserved position in the protein, it is predicted to be benign by multiple in silico algorithms, and/or has population frequency not consistent with disease.

Breakthrough Genomics
Classification: Likely benign. Review status: criteria provided, single submitter. Criteria: ACMG Guidelines, 2015. Collection method: not provided. Allele origin: germline. Inheritance: Autosomal recessive inheritance. Affected: yes.

NM_000183.3(HADHB):c.1149+118A>G

Gene: HADHB (hydroxyacyl-CoA dehydrogenase trifunctional multienzyme complex subunit beta; plus strand). Cytogenetic location: 2p23.3.
Variant type: single nucleotide variant.
Coding change: c.1149+118A>G on transcript NM_000183.3 (MANE Select); 118 bases into the intron after coding-DNA position 1149, A replaced by G.
Molecular consequence: intron variant.
Genome position (GRCh38, 1-based): chr2:26,284,322, A>G. VCF-style: chr2-26284322-A-G. GRCh37 (hg19) VCF-style: chr2-26507190-A-G.
Other names: c.1083+118A>G (NM_001281513.2); c.1104+118A>G (NM_001281512.2).
Identifiers: ClinVar variation 675558 (VCV000675558.2), dbSNP rs112285288, ClinGen allele CA44341572.